The following is an entry in ClinVar:

NM_006030.4(CACNA2D2):c.478G>A (p.Val160Met)

Gene: CACNA2D2 (calcium voltage-gated channel auxiliary subunit alpha2delta 2; minus strand). Cytogenetic location: 3p21.31.
Variant type: single nucleotide variant.
Coding change: c.478G>A on transcript NM_006030.4 (MANE Select); coding-DNA position 478, G replaced by A.
Protein change: p.Val160Met; replaces valine 160 with methionine.
Molecular consequence: missense variant.
Genome position (GRCh38, 1-based): chr3:50,387,600, C>T on the plus strand (G>A on the coding strand, the complement: CACNA2D2 is on the minus strand). VCF-style: chr3-50387600-C-T. GRCh37 (hg19) VCF-style: chr3-50425031-C-T.
Other names: c.478G>A, p.Val160Met (NM_001005505.3, NM_001174051.3); c.271G>A, p.Val91Met (NM_001291101.1); c.478G>A (NM_001174051.1); short protein forms V160M, V91M.
Identifiers: ClinVar variation 568266 (VCV000568266.9), dbSNP rs779423998, ClinGen allele CA2419171.

ClinVar aggregate classification (germline): Conflicting classifications of pathogenicity. Review status: criteria provided, conflicting classifications (1 of 4 stars). 2 submissions from 2 submitters: Uncertain significance (1); Likely benign (1). Last evaluated 2023-03-23.

Conditions:
Early-infantile DEE. Also called: Early infantile epileptic encephalopathy; Early infantile epileptic encephalopathy with suppression bursts; Ohtahara syndrome. Identifiers: Orphanet 1934, MedGen C0393706, MONDO:0800491.
Inborn genetic diseases. Identifiers: MedGen C0950123, MeSH D030342.

Allele frequency attached by ClinVar (database versions not stated): gnomAD 0.00004; gnomAD exomes 0.00005; TOPMed 0.00002; ExAC 0.00006.
gnomAD v4.1: 81 of 1,613,316 alleles (0.005%); highest among the groups gnomAD compares: South Asian, 0.02%; no homozygotes.

Submissions (2):

Labcorp Genetics (formerly Invitae), Labcorp
Classification: Uncertain significance for Early-infantile DEE. Last evaluated: 2023-03-23. Review status: criteria provided, single submitter. Criteria: Invitae Variant Classification Sherloc (09022015). Collection method: clinical testing. Allele origin: germline.
Comment: Algorithms developed to predict the effect of missense changes on protein structure and function output the following: SIFT: "Not Available"; PolyPhen-2: "Benign"; Align-GVGD: "Not Available". The methionine amino acid residue is found in multiple mammalian species, which suggests that this missense change does not adversely affect protein function. In summary, the available evidence is currently insufficient to determine the role of this variant in disease. Therefore, it has been classified as a Variant of Uncertain Significance. This sequence change replaces valine, which is neutral and non-polar, with methionine, which is neutral and non-polar, at codon 160 of the CACNA2D2 protein (p.Val160Met). This variant is present in population databases (rs779423998, gnomAD 0.02%). This variant has not been reported in the literature in individuals affected with CACNA2D2-related conditions. ClinVar contains an entry for this variant (Variation ID: 568266).

Ambry Genetics
Classification: Likely benign for Inborn genetic diseases. Last evaluated: 2022-06-21. Review status: criteria provided, single submitter. Criteria: Ambry Variant Classification Scheme 2023. Collection method: clinical testing. Allele origin: germline.